The following is an entry in ClinVar:

ClinVar aggregate classification (germline): Pathogenic (1 of 4 stars; one submission).

Submission:

Labcorp Genetics (formerly Invitae), Labcorp
Classification: Pathogenic. Last evaluated: 2024-11-27. Review status: criteria provided, single submitter. Criteria: Invitae Variant Classification Sherloc (09022015). Collection method: clinical testing. Allele origin: germline.
Comment: This sequence change creates a premature translational stop signal (p.Tyr162Leufs*9) in the KRT14 gene. It is expected to result in an absent or disrupted protein product. Loss-of-function variants in KRT14 are known to be pathogenic (PMID: 16614722, 27283507, 29130490). This variant is not present in population databases (gnomAD no frequency). This variant has not been reported in the literature in individuals affected with KRT14-related conditions. ClinVar contains an entry for this variant (Variation ID: 2036149). For these reasons, this variant has been classified as Pathogenic.

Literature cited by the submitters: PubMed 16614722; PubMed 27283507; PubMed 29130490.

NM_000526.5(KRT14):c.484dup (p.Tyr162fs)

Gene: KRT14 (keratin 14; minus strand). Cytogenetic location: 17q21.2.
Variant type: Duplication.
Coding change: c.484dup on transcript NM_000526.5 (MANE Select); coding-DNA position 484, one base duplicated (T; older notation c.484dupT).
Protein change: p.Tyr162fs; shifts the reading frame from tyrosine 162.
Molecular consequence: frameshift variant.
Genome position (GRCh38, 1-based): chr17:41,586,351, A duplicated on the plus strand (T on the coding strand, the reverse complement: KRT14 is on the minus strand). VCF-style (leftmost placement, unchanged base first): chr17-41586350-T-TA. GRCh37 (hg19) VCF-style: chr17-39742602-T-TA.
Other names: short protein forms Y162fs.
Identifiers: ClinVar variation 2036149 (VCV002036149.4), dbSNP rs2508736188, ClinGen allele CA2580093697.